The following is an entry in ClinVar:

ClinVar aggregate classification (germline): Uncertain significance. Review status: criteria provided, single submitter (1 of 4 stars). 2 submissions from 2 submitters: Uncertain significance (1). 1 of the submissions does not count toward it. Last evaluated 2023-06-22.

Conditions:
KIDINS220-related disorder. Also called: KIDINS220-related condition.

Allele frequency attached by ClinVar (database versions not stated): gnomAD exomes 0.00001; ExAC 0.00002; TOPMed 0.00004; gnomAD 0.00007.
gnomAD v4.1: 22 of 1,613,728 alleles (0.0014%); highest among the groups gnomAD compares: African/African-American, 0.019%; no homozygotes.

Submissions (2):

Labcorp Genetics (formerly Invitae), Labcorp
Classification: Uncertain significance. Last evaluated: 2023-06-22. Review status: criteria provided, single submitter. Criteria: Invitae Variant Classification Sherloc (09022015). Collection method: clinical testing. Allele origin: germline.
Comment: In summary, the available evidence is currently insufficient to determine the role of this variant in disease. Therefore, it has been classified as a Variant of Uncertain Significance. An algorithm developed to predict the effect of missense changes on protein structure and function (PolyPhen-2) suggests that this variant is likely to be tolerated. ClinVar contains an entry for this variant (Variation ID: 2203020). This variant has not been reported in the literature in individuals affected with KIDINS220-related conditions. This variant is present in population databases (rs748531715, gnomAD 0.04%). This sequence change replaces histidine, which is basic and polar, with arginine, which is basic and polar, at codon 1085 of the KIDINS220 protein (p.His1085Arg).

PreventionGenetics, part of Exact Sciences
Classification: Uncertain significance for KIDINS220-related condition. Last evaluated: 2024-06-27. Review status: no assertion criteria provided. Collection method: clinical testing. Allele origin: germline. Not counted in ClinVar's aggregate classification.
Comment: The KIDINS220 c.3254A>G variant is predicted to result in the amino acid substitution p.His1085Arg. To our knowledge, this variant has not been reported in the literature related to obesity. This variant is reported in 0.037% of alleles in individuals of African descent in gnomAD. At this time, the clinical significance of this variant is uncertain due to the absence of conclusive functional and genetic evidence.

NM_020738.4(KIDINS220):c.3254A>G (p.His1085Arg)

Gene: KIDINS220 (kinase D interacting substrate 220; minus strand). Cytogenetic location: 2p25.1.
Variant type: single nucleotide variant.
Coding change: c.3254A>G on transcript NM_020738.4 (MANE Select); coding-DNA position 3254, A replaced by G.
Protein change: p.His1085Arg; replaces histidine 1085 with arginine.
Molecular consequence: missense variant. On other transcripts: non-coding transcript variant (2).
Genome position (GRCh38, 1-based): chr2:8,750,272, T>C on the plus strand (A>G on the coding strand, the complement: KIDINS220 is on the minus strand). VCF-style: chr2-8750272-T-C. GRCh37 (hg19) VCF-style: chr2-8890402-T-C.
Other names: c.3257A>G, p.His1086Arg (NM_001348729.2, NM_001348731.2, NM_001348734.2 and 2 more transcripts); c.3254A>G, p.His1085Arg (NM_001348732.2, NM_001348735.2, NM_001348738.2 and 3 more transcripts); c.3128A>G, p.His1043Arg (NM_001348736.2); c.3254A>G (NM_020738.2); short protein forms H1085R, H1043R, H1086R.
Identifiers: ClinVar variation 2203020 (VCV002203020.5), dbSNP rs748531715, ClinGen allele CA1519719.